The following is an entry in ClinVar:

NM_006514.4(SCN10A):c.296G>A (p.Arg99Lys)

Gene: SCN10A (sodium voltage-gated channel alpha subunit 10; minus strand). Cytogenetic location: 3p22.2.
Variant type: single nucleotide variant.
Coding change: c.296G>A on transcript NM_006514.4 (MANE Select); coding-DNA position 296, G replaced by A.
Protein change: p.Arg99Lys; replaces arginine 99 with lysine.
Molecular consequence: missense variant.
Genome position (GRCh38, 1-based): chr3:38,792,143, C>T on the plus strand (G>A on the coding strand, the complement: SCN10A is on the minus strand). VCF-style: chr3-38792143-C-T. GRCh37 (hg19) VCF-style: chr3-38833634-C-T.
Other names: c.296G>A (NM_006514.3); c.296G>A, p.Arg99Lys (NM_001293306.2, NM_001293307.2); short protein forms R99K.
Identifiers: ClinVar variation 4769452 (VCV004769452.2).

ClinVar aggregate classification (germline): Uncertain significance. Review status: criteria provided, multiple submitters, no conflicts (2 of 4 stars). 2 submissions from 2 submitters: Uncertain significance (2). Last evaluated 2026-06-02.

Conditions:
Brugada syndrome. Also called: Sudden unexpected nocturnal death syndrome; Sudden Unexplained Death Syndrome; Sudden Unexplained Nocturnal Death Syndrome (SUNDS); Sudden unexplained nocturnal death syndrome. Identifiers: Orphanet 130, MedGen C1142166, MONDO:0015263.
SCN10A-related disorder. Also called: SCN10A-related condition.

gnomAD v4.1: 2 of 1,613,816 alleles (0.00012%); highest among the groups gnomAD compares: Non-Finnish European, 0.00017%; no homozygotes.

Submissions (2):

PreventionGenetics, part of Exact Sciences
Classification: Uncertain significance for SCN10A-related condition. Last evaluated: 2026-06-02. Review status: criteria provided, single submitter. Criteria: ACMG Guidelines, 2015. Collection method: clinical testing. Allele origin: germline.
Comment: The SCN10A c.296G>A variant is predicted to result in the amino acid substitution p.Arg99Lys. To our knowledge, this variant has not been reported in the literature or in a large population database (gnomAD), indicating this variant is rare. At this time, the clinical significance of this variant is uncertain due to the absence of conclusive functional and genetic evidence.

Labcorp Genetics (formerly Invitae), Labcorp
Classification: Uncertain significance for Brugada syndrome. Last evaluated: 2025-08-17. Review status: criteria provided, single submitter. Criteria: Invitae Variant Classification Sherloc (09022015). Collection method: clinical testing. Allele origin: germline.
Comment: This sequence change replaces arginine, which is basic and polar, with lysine, which is basic and polar, at codon 99 of the SCN10A protein (p.Arg99Lys). This variant is not present in population databases (gnomAD no frequency). This variant has not been reported in the literature in individuals affected with SCN10A-related conditions. Invitae Evidence Modeling of protein sequence and biophysical properties (such as structural, functional, and spatial information, amino acid conservation, physicochemical variation, residue mobility, and thermodynamic stability) indicates that this missense variant is not expected to disrupt SCN10A protein function with a negative predictive value of 95%. In summary, the available evidence is currently insufficient to determine the role of this variant in disease. Therefore, it has been classified as a Variant of Uncertain Significance.